The following is an entry in ClinVar:

NM_001291867.2(NHS):c.136C>G (p.Leu46Val)

Gene: NHS (NHS actin remodeling regulator; plus strand). Cytogenetic location: Xp22.2.
Variant type: single nucleotide variant.
Coding change: c.136C>G on transcript NM_001291867.2 (MANE Select); coding-DNA position 136, C replaced by G.
Protein change: p.Leu46Val; replaces leucine 46 with valine.
Molecular consequence: missense variant.
Genome position (GRCh38, 1-based): chrX:17,375,893, C>G. VCF-style: chrX-17375893-C-G. GRCh37 (hg19) VCF-style: chrX-17394016-C-G.
Other names: c.136C>G, p.Leu46Val (NM_198270.4); short protein forms L46V.
Identifiers: ClinVar variation 2729563 (VCV002729563.3), dbSNP rs1401931825, ClinGen allele CA412484116.
Genomic context (GRCh38, chrX:17,375,893, plus strand): 5'-GACGCGAGCGGAGGCAGCGCTGAGCCGCCGCCGCCCTTGCAGCCGCCGGGCCGGAGGGAC[C>G]TGGACGAGGTCGAGGCGCCAGGGCCAGAGGAGCCAGCCCGCGCCGTCCCTGCACCTTCAG-3'
Protein context (NP_001278796.1, residues 36-56): PPLQPPGRRD[Leu46Val]DEVEAPGPEE

ClinVar aggregate classification (germline): Uncertain significance (1 of 4 stars; one submission).

Conditions:
Nance-Horan syndrome (NHS). Identifiers: Orphanet 627, MedGen C0796085, MONDO:0010545, OMIM 302350.

Allele frequency attached by ClinVar (database versions not stated): gnomAD exomes 0.00001.
gnomAD v4.1: 7 of 1,102,796 alleles (0.00063%); highest among the groups gnomAD compares: Non-Finnish European, 0.00082%; no homozygotes.

Submission:

Labcorp Genetics (formerly Invitae), Labcorp
Classification: Uncertain significance for Nance-Horan syndrome. Last evaluated: 2022-12-18. Review status: criteria provided, single submitter. Criteria: Invitae Variant Classification Sherloc (09022015). Collection method: clinical testing. Allele origin: germline.
Comment: In summary, the available evidence is currently insufficient to determine the role of this variant in disease. Therefore, it has been classified as a Variant of Uncertain Significance. Algorithms developed to predict the effect of missense changes on protein structure and function are either unavailable or do not agree on the potential impact of this missense change (SIFT: "Deleterious"; PolyPhen-2: "Not Available"; Align-GVGD: "Class C0"). This variant has not been reported in the literature in individuals affected with NHS-related conditions. This variant is not present in population databases (gnomAD no frequency). This sequence change replaces leucine, which is neutral and non-polar, with valine, which is neutral and non-polar, at codon 46 of the NHS protein (p.Leu46Val).